The following is an entry in ClinVar:

NM_032242.4(PLXNA1):c.3276C>T (p.Asn1092=)

Gene: PLXNA1 (plexin A1; plus strand). Cytogenetic location: 3q21.3.
Variant type: single nucleotide variant.
Coding change: c.3276C>T on transcript NM_032242.4 (MANE Select); coding-DNA position 3276, C replaced by T.
Protein change: p.Asn1092=; no amino-acid change (asparagine 1092 retained).
Molecular consequence: synonymous variant.
Genome position (GRCh38, 1-based): chr3:127,017,037, C>T. VCF-style: chr3-127017037-C-T. GRCh37 (hg19) VCF-style: chr3-126735880-C-T.
Identifiers: ClinVar variation 3350369 (VCV003350369.1).
Genomic context (GRCh38, chr3:127,017,037, plus strand): 5'-CCTGGCCACTGTCCGTGAACCCCGAATCCGGGCCAAGTATGGAGGCATTGAGAGGGAGAA[C>T]GTGAGTCCCTGCCCTCAGCTGCCCACCTCGGTCCAGGCCTTCACCTGGGATGGGGCTCCT-3'
Protein context (NP_115618.3, residues 1082-1102): RAKYGGIERE[Asn1092=]GCLVYNDTTM

ClinVar aggregate classification (germline): Likely benign (0 of 4 stars; one submission).

Conditions:
PLXNA1-related disorder. Also called: PLXNA1-related condition.

gnomAD v4.1: 20 of 1,612,220 alleles (0.0012%); highest among the groups gnomAD compares: East Asian, 0.011%; no homozygotes.

Submission:

PreventionGenetics, part of Exact Sciences
Classification: Likely benign for PLXNA1-related condition. Last evaluated: 2022-06-11. Review status: no assertion criteria provided. Collection method: clinical testing. Allele origin: germline.
Comment: This variant is classified as likely benign based on ACMG/AMP sequence variant interpretation guidelines (Richards et al. 2015 PMID: 25741868, with internal and published modifications).